The following is an entry in ClinVar:

NM_007294.4(BRCA1):c.5333-8C>G

Gene: BRCA1 (BRCA1 DNA repair associated; minus strand). Cytogenetic location: 17q21.31.
Variant type: single nucleotide variant.
Coding change: c.5333-8C>G on transcript NM_007294.4 (MANE Select); 8 bases into the intron before coding-DNA position 5333, C replaced by G.
Molecular consequence: intron variant.
Genome position (GRCh38, 1-based): chr17:43,049,202, G>C on the plus strand (C>G on the coding strand, the complement: BRCA1 is on the minus strand). VCF-style: chr17-43049202-G-C. GRCh37 (hg19) VCF-style: chr17-41201219-G-C.
Other names: c.1880-8C>G (NM_001408458.1, NM_001408461.1, NM_001408464.1 and 7 more transcripts); c.4442-8C>G (NM_001407967.1); c.4952-8C>G (NM_001407959.1); c.5066-8C>G (NM_001407931.1, NM_001407932.1, NM_001407928.1 and 4 more transcripts); c.5189-8C>G (NM_001407747.1, NM_001407745.1, NM_001407737.1 and 18 more transcripts); c.4949-8C>G (NM_001407962.1, NM_001407960.1); c.1520-8C>G (NM_001408512.1); c.1643-8C>G (NM_001408510.1); and 84 more.
Identifiers: ClinVar variation 865624 (VCV000865624.3), dbSNP rs80358084, ClinGen allele CA916080894.
Genomic context (GRCh38, chr17:43,049,202, plus strand): 5'-AAGCTCCTTCACCACAGAAGCACCACACAGCTGTACCATCCATTCCAGTTGATCTAAAAT[G>C]GACATTTAGATGTAAAATCACTGCAGTAATCTGCATACTTAACCCAGGCCCTCTACCCTA-3'

Conditions:
Breast-ovarian cancer, familial, susceptibility to, 1 (BROVCA1). Also called: BRCA1 Hereditary Breast and Ovarian Cancer; OVARIAN CANCER, SUSCEPTIBILITY TO. Identifiers: Orphanet 145, MedGen C2676676, MONDO:0011450, OMIM 604370. Disease mechanism: loss of function.

Submission:

Brotman Baty Institute, University of Washington
No classification provided (evidence only). Condition: Breast-ovarian cancer, familial 1. Review status: no classification provided. Collection method: in vitro. Allele origin: not applicable. Functional consequence: functionally_normal.
ClinVar note: "not provided" was previously submitted as the classification for the variant. However, the classification appeared to be based only on an observation of functional data so it was converted to no classification on 2025-07-30.